The following is an entry in ClinVar:

NM_032043.3(BRIP1):c.1571A>T (p.Gln524Leu)

Gene: BRIP1 (BRCA1 interacting DNA helicase 1; minus strand). Cytogenetic location: 17q23.2.
Variant type: single nucleotide variant.
Coding change: c.1571A>T on transcript NM_032043.3 (MANE Select); coding-DNA position 1571, A replaced by T.
Protein change: p.Gln524Leu; replaces glutamine 524 with leucine.
Molecular consequence: missense variant.
Genome position (GRCh38, 1-based): chr17:61,784,327, T>A on the plus strand (A>T on the coding strand, the complement: BRIP1 is on the minus strand). VCF-style: chr17-61784327-T-A. GRCh37 (hg19) VCF-style: chr17-59861688-T-A.
Other names: short protein forms Q524L.
Identifiers: ClinVar variation 1775512 (VCV001775512.8), dbSNP rs587781726, ClinGen allele CA400481112.

ClinVar aggregate classification (germline): Uncertain significance. Review status: criteria provided, multiple submitters, no conflicts (2 of 4 stars). 2 submissions from 2 submitters: Uncertain significance (2). Last evaluated 2025-08-06.

Conditions:
Hereditary cancer-predisposing syndrome. Also called: Tumor predisposition; Neoplastic Syndromes, Hereditary; Hereditary Cancer Syndrome; Hereditary neoplastic syndrome. Identifiers: Orphanet 140162, MedGen C0027672, MeSH D009386, MONDO:0015356.
Fanconi anemia complementation group J. Also called: BRIP1-Related Fanconi Anemia. Identifiers: Orphanet 84, MedGen C1836860, MONDO:0012187, OMIM 609054.
Familial cancer of breast. Also called: BREAST CANCER, FAMILIAL; Hereditary breast cancer; hereditary breast carcinoma. Identifiers: Orphanet 227535, MedGen C0346153, MONDO:0016419, OMIM 114480. Disease mechanism: loss of function.

Submissions (2):

Labcorp Genetics (formerly Invitae), Labcorp
Classification: Uncertain significance for Familial cancer of breast; Fanconi anemia complementation group J. Last evaluated: 2025-08-06. Review status: criteria provided, single submitter. Criteria: Invitae Variant Classification Sherloc (09022015). Collection method: clinical testing. Allele origin: germline.
Comment: This sequence change replaces glutamine, which is neutral and polar, with leucine, which is neutral and non-polar, at codon 524 of the BRIP1 protein (p.Gln524Leu). This variant is not present in population databases (gnomAD no frequency). This variant has not been reported in the literature in individuals affected with BRIP1-related conditions. ClinVar contains an entry for this variant (Variation ID: 1775512). Invitae Evidence Modeling of protein sequence and biophysical properties (such as structural, functional, and spatial information, amino acid conservation, physicochemical variation, residue mobility, and thermodynamic stability) indicates that this missense variant is not expected to disrupt BRIP1 protein function with a negative predictive value of 95%. In summary, the available evidence is currently insufficient to determine the role of this variant in disease. Therefore, it has been classified as a Variant of Uncertain Significance.

Ambry Genetics
Classification: Uncertain significance for Hereditary cancer-predisposing syndrome. Last evaluated: 2024-10-11. Review status: criteria provided, single submitter. Criteria: Ambry Variant Classification Scheme 2023. Collection method: clinical testing. Allele origin: germline.
Comment: The p.Q524L variant (also known as c.1571A>T), located in coding exon 10 of the BRIP1 gene, results from an A to T substitution at nucleotide position 1571. The glutamine at codon 524 is replaced by leucine, an amino acid with dissimilar properties. This amino acid position is conserved. In addition, this alteration is predicted to be tolerated by in silico analysis. Since supporting evidence is limited at this time, the clinical significance of this alteration remains unclear.